The following is an entry in ClinVar:

ClinVar aggregate classification (germline): Likely benign. Review status: criteria provided, multiple submitters, no conflicts (2 of 4 stars). 3 submissions from 3 submitters: Likely benign (2). 1 of the submissions does not count toward it. Last evaluated 2025-06-23.

Conditions:
RAI1-related disorder. Also called: RAI1-related condition.

gnomAD v4.1: 3 of 1,612,818 alleles (0.00019%); highest among the groups gnomAD compares: South Asian, 0.0022%; no homozygotes.

Submissions (3):

Labcorp Genetics (formerly Invitae), Labcorp
Classification: Likely benign. Last evaluated: 2025-06-23. Review status: criteria provided, single submitter. Criteria: Invitae Variant Classification Sherloc (09022015). Collection method: clinical testing. Allele origin: germline.

Women's Health and Genetics/Laboratory Corporation of America, LabCorp
Classification: Likely benign. Last evaluated: 2024-09-30. Review status: criteria provided, single submitter. Criteria: LabCorp Variant Classification Summary - May 2015. Collection method: clinical testing. Allele origin: germline.

PreventionGenetics, part of Exact Sciences
Classification: Likely benign for RAI1-related condition. Last evaluated: 2023-09-19. Review status: no assertion criteria provided. Collection method: clinical testing. Allele origin: germline. Not counted in ClinVar's aggregate classification.
Comment: This variant is classified as likely benign based on ACMG/AMP sequence variant interpretation guidelines (Richards et al. 2015 PMID: 25741868, with internal and published modifications).

NM_030665.4(RAI1):c.1392T>C (p.Gly464=)

Gene: RAI1 (retinoic acid induced 1; plus strand). Cytogenetic location: 17p11.2.
Variant type: single nucleotide variant.
Coding change: c.1392T>C on transcript NM_030665.4 (MANE Select); coding-DNA position 1392, T replaced by C.
Protein change: p.Gly464=; no amino-acid change (glycine 464 retained).
Molecular consequence: synonymous variant.
Genome position (GRCh38, 1-based): chr17:17,794,340, T>C. VCF-style: chr17-17794340-T-C. GRCh37 (hg19) VCF-style: chr17-17697654-T-C.
Identifiers: ClinVar variation 3358193 (VCV003358193.3).